The following is an entry in ClinVar:

NM_016519.6(AMBN):c.1074G>A (p.Lys358=)

Gene: AMBN (ameloblastin; plus strand). Cytogenetic location: 4q13.3.
Variant type: single nucleotide variant.
Coding change: c.1074G>A on transcript NM_016519.6 (MANE Select); coding-DNA position 1074, G replaced by A.
Protein change: p.Lys358=; no amino-acid change (lysine 358 retained).
Molecular consequence: synonymous variant.
Genome position (GRCh38, 1-based): chr4:70,606,460, G>A. VCF-style: chr4-70606460-G-A. GRCh37 (hg19) VCF-style: chr4-71472177-G-A.
Identifiers: ClinVar variation 714243 (VCV000714243.4), dbSNP rs148041312, ClinGen allele CA2951635.

ClinVar aggregate classification (germline): Benign. Review status: criteria provided, multiple submitters, no conflicts (2 of 4 stars). 2 submissions from 2 submitters: Benign (2). Last evaluated 2025-09-11.

Conditions:
AMBN-related disorder. Also called: AMBN-related condition.

Allele frequency attached by ClinVar (database versions not stated): gnomAD exomes 0.00032 and 0.00099; ExAC 0.00114; 1000 Genomes Project 0.00280; 1000 Genomes Project 30x 0.00281; gnomAD 0.00360 and 0.00393; TOPMed 0.00430; ESP Exome Variant Server 0.00484.
gnomAD v4.1: 1,036 of 1,613,940 alleles (0.064%); highest among the groups gnomAD compares: African/African-American, 1.2%; 5 homozygotes.

Submissions (2):

PreventionGenetics, part of Exact Sciences
Classification: Benign for AMBN-related condition. Last evaluated: 2025-09-11. Review status: criteria provided, single submitter. Criteria: ACMG Guidelines, 2015. Collection method: clinical testing. Allele origin: germline.
Comment: This variant is classified as benign based on ACMG/AMP sequence variant interpretation guidelines (Richards et al. 2015 PMID: 25741868, with internal and published modifications).

Labcorp Genetics (formerly Invitae), Labcorp
Classification: Benign. Last evaluated: 2018-06-21. Review status: criteria provided, single submitter. Criteria: Invitae Variant Classification Sherloc (09022015). Collection method: clinical testing. Allele origin: germline.